The following is an entry in ClinVar:

NM_014000.3(VCL):c.871C>G (p.Pro291Ala)

Gene: VCL (vinculin; plus strand). Cytogenetic location: 10q22.2.
Variant type: single nucleotide variant.
Coding change: c.871C>G on transcript NM_014000.3 (MANE Select); coding-DNA position 871, C replaced by G.
Protein change: p.Pro291Ala; replaces proline 291 with alanine.
Molecular consequence: missense variant.
Genome position (GRCh38, 1-based): chr10:74,082,541, C>G. VCF-style: chr10-74082541-C-G. GRCh37 (hg19) VCF-style: chr10-75842299-C-G.
Other names: c.871C>G, p.Pro291Ala (NM_003373.4); short protein forms P291A.
Identifiers: ClinVar variation 1450913 (VCV001450913.6), dbSNP rs1302101209, ClinGen allele CA377269850.
Genomic context (GRCh38, chr10:74,082,541, plus strand): 5'-GCCTCCATAGACTCCAAACTGAACCAGGCCAAAGGTTGGCTCCGTGACCCTAGTGCCTCC[C>G]CAGGTAACCCTCTAGTTCTGCTTTTCTGATCAATACAACGAGAAGCTAAAAACCAAGCAA-3'
Protein context (NP_054706.1, residues 281-301): KGWLRDPSAS[Pro291Ala]GDAGEQAIRQ

ClinVar aggregate classification (germline): Uncertain significance (1 of 4 stars; one submission).

Conditions:
Dilated cardiomyopathy 1W (CMD1W). Identifiers: Orphanet 154, MedGen C1969639, MONDO:0012667, OMIM 611407.

Allele frequency attached by ClinVar (database versions not stated): gnomAD 0.00001; TOPMed 0.00001.
gnomAD v4.1: 1 of 1,613,858 alleles (0.000062%); highest among the groups gnomAD compares: African/African-American, 0.0013%; no homozygotes.

Submission:

Labcorp Genetics (formerly Invitae), Labcorp
Classification: Uncertain significance for Dilated cardiomyopathy 1W. Last evaluated: 2021-11-14. Review status: criteria provided, single submitter. Criteria: Invitae Variant Classification Sherloc (09022015). Collection method: clinical testing. Allele origin: germline.
Comment: Algorithms developed to predict the effect of missense changes on protein structure and function output the following: SIFT: "Not Available"; PolyPhen-2: "Benign"; Align-GVGD: "Not Available". The alanine amino acid residue is found in multiple mammalian species, which suggests that this missense change does not adversely affect protein function. In summary, the available evidence is currently insufficient to determine the role of this variant in disease. Therefore, it has been classified as a Variant of Uncertain Significance. This sequence change replaces proline, which is neutral and non-polar, with alanine, which is neutral and non-polar, at codon 291 of the VCL protein (p.Pro291Ala). This variant is not present in population databases (gnomAD no frequency). This variant has not been reported in the literature in individuals affected with VCL-related conditions.